The following is an entry in ClinVar:

ClinVar aggregate classification (germline): Uncertain significance (1 of 4 stars; one submission).

Conditions:
Inborn genetic diseases. Identifiers: MedGen C0950123, MeSH D030342.

Submission:

Ambry Genetics
Classification: Uncertain significance for Inborn genetic diseases. Last evaluated: 2024-01-11. Review status: criteria provided, single submitter. Criteria: Ambry Variant Classification Scheme 2023. Collection method: clinical testing. Allele origin: germline.
Comment: The p.G782C variant (also known as c.2344G>T), located in coding exon 19 of the LRRK2 gene, results from a G to T substitution at nucleotide position 2344. The glycine at codon 782 is replaced by cysteine, an amino acid with highly dissimilar properties. This amino acid position is conserved. In addition, the in silico prediction for this alteration is inconclusive. Since supporting evidence is limited at this time, the clinical significance of this alteration remains unclear.

NM_198578.4(LRRK2):c.2344G>T (p.Gly782Cys)

Gene: LRRK2 (leucine rich repeat kinase 2; plus strand). Cytogenetic location: 12q12.
Variant type: single nucleotide variant.
Coding change: c.2344G>T on transcript NM_198578.4 (MANE Select); coding-DNA position 2344, G replaced by T.
Protein change: p.Gly782Cys; replaces glycine 782 with cysteine.
Molecular consequence: missense variant.
Genome position (GRCh38, 1-based): chr12:40,283,977, G>T. VCF-style: chr12-40283977-G-T. GRCh37 (hg19) VCF-style: chr12-40677779-G-T.
Other names: short protein forms G782C.
Identifiers: ClinVar variation 3229552 (VCV003229552.1), dbSNP rs2499664440, ClinGen allele CA384406619.